The following is an entry in ClinVar:

NM_001145026.2(PTPRQ):c.4254C>A (p.Ser1418Arg)

Gene: PTPRQ (protein tyrosine phosphatase receptor type Q; plus strand). Cytogenetic location: 12q21.31.
Variant type: single nucleotide variant.
Coding change: c.4254C>A on transcript NM_001145026.2 (MANE Select); coding-DNA position 4254, C replaced by A.
Protein change: p.Ser1418Arg; replaces serine 1418 with arginine.
Molecular consequence: missense variant.
Genome position (GRCh38, 1-based): chr12:80,549,703, C>A. VCF-style: chr12-80549703-C-A. GRCh37 (hg19) VCF-style: chr12-80943482-C-A.
Other names: short protein forms S1418R.
Identifiers: ClinVar variation 4529894 (VCV004529894.2).

ClinVar aggregate classification (germline): Uncertain significance (1 of 4 stars; one submission).

gnomAD v4.1: 135 of 1,550,486 alleles (0.0087%); highest among the groups gnomAD compares: Non-Finnish European, 0.011%; no homozygotes.

Submission:

GeneDx
Classification: Uncertain significance. Last evaluated: 2026-04-23. Review status: criteria provided, single submitter. Criteria: GeneDx Variant Classification Process June 2021. Collection method: clinical testing. Allele origin: germline.
Comment: In silico analysis suggests that this missense variant does not alter protein structure/function; Has not been previously published as pathogenic or benign to our knowledge